The following is an entry in ClinVar:

NM_032237.5(POMK):c.43del (p.Arg15fs)

Gene: POMK (protein O-mannose kinase; plus strand). Cytogenetic location: 8p11.21.
Variant type: Deletion.
Coding change: c.43del on transcript NM_032237.5 (MANE Select); coding-DNA position 43, one base deleted (C; older notation c.43delC).
Protein change: p.Arg15fs; shifts the reading frame from arginine 15.
Molecular consequence: frameshift variant.
Genome position (GRCh38, 1-based): chr8:43,103,591, C deleted; the last of 6 consecutive C bases (chr8:43,103,586-43,103,591); deleting any one gives the same sequence. VCF-style (leftmost placement, unchanged base first): chr8-43103585-GC-G. GRCh37 (hg19) VCF-style: chr8-42958728-GC-G.
Other names: c.43del, p.Arg15fs (NM_001277971.2); short protein forms R15fs.
Identifiers: ClinVar variation 4791932 (VCV004791932.1).

ClinVar aggregate classification (germline): Pathogenic (1 of 4 stars; one submission).

Conditions:
Muscular dystrophy-dystroglycanopathy (congenital with brain and eye anomalies), type a, 12 (MDDGA12). Also called: WALKER-WARBURG SYNDROME OR MUSCLE-EYE-BRAIN DISEASE, POMK-RELATED. Identifiers: Orphanet 899, MedGen C3808964, MONDO:0014101, OMIM 615249.
Limb-girdle muscular dystrophy due to POMK deficiency. Also called: MUSCULAR DYSTROPHY-DYSTROGLYCANOPATHY, LIMB-GIRDLE, POMK-RELATED; Muscular dystrophy-dystroglycanopathy (limb-girdle), type c, 12. Identifiers: Orphanet 445110, MedGen C4015184, MONDO:0014489, OMIM 616094.

Submission:

Labcorp Genetics (formerly Invitae), Labcorp
Classification: Pathogenic for Muscular dystrophy-dystroglycanopathy (congenital with brain and eye anomalies), type a, 12; Limb-girdle muscular dystrophy due to POMK deficiency. Last evaluated: 2025-09-07. Review status: criteria provided, single submitter. Criteria: Invitae Variant Classification Sherloc (09022015). Collection method: clinical testing. Allele origin: germline.
Comment: This sequence change creates a premature translational stop signal (p.Arg15Glufs*11) in the POMK gene. It is expected to result in an absent or disrupted protein product. Loss-of-function variants in POMK are known to be pathogenic (PMID: 24925318). This variant is present in population databases (rs755675867, gnomAD 0.0009%). This variant has not been reported in the literature in individuals affected with POMK-related conditions. For these reasons, this variant has been classified as Pathogenic.

Literature cited by the submitters: PubMed 24925318.